The following is an entry in ClinVar:

NM_001128225.3(SLC39A13):c.919+4C>T

Gene: SLC39A13 (solute carrier family 39 member 13; plus strand). Cytogenetic location: 11p11.2.
Variant type: single nucleotide variant.
Coding change: c.919+4C>T on transcript NM_001128225.3 (MANE Select); 4 bases into the intron after coding-DNA position 919, C replaced by T.
Molecular consequence: intron variant.
Genome position (GRCh38, 1-based): chr11:47,414,913, C>T. VCF-style: chr11-47414913-C-T. GRCh37 (hg19) VCF-style: chr11-47436464-C-T.
Other names: c.915+8C>T (NM_001330245.2); c.919+4C>T (NM_152264.5).
Identifiers: ClinVar variation 1474512 (VCV001474512.3), dbSNP rs368667805, ClinGen allele CA5975982.

ClinVar aggregate classification (germline): Uncertain significance (1 of 4 stars; one submission).

Conditions:
Ehlers-Danlos syndrome, spondylodysplastic type, 3. Also called: Ehlers-Danlos syndrome, spondylocheirodysplastic type. Identifiers: Orphanet 157965, MedGen C2676510, MONDO:0012873, OMIM 612350.

Allele frequency attached by ClinVar (database versions not stated): ExAC 0.00003; gnomAD 0.00003 and 0.00002; gnomAD exomes 0.00003; TOPMed 0.00004; ESP Exome Variant Server 0.00008.

Submission:

Labcorp Genetics (formerly Invitae), Labcorp
Classification: Uncertain significance for Ehlers-Danlos syndrome, spondylodysplastic type, 3. Last evaluated: 2021-07-18. Review status: criteria provided, single submitter. Criteria: Invitae Variant Classification Sherloc (09022015). Collection method: clinical testing. Allele origin: germline.
Comment: This sequence change falls in intron 8 of the SLC39A13 gene. It does not directly change the encoded amino acid sequence of the SLC39A13 protein. It affects a nucleotide within the consensus splice site of the intron. This variant is present in population databases (rs368667805, ExAC 0.005%). This variant has not been reported in the literature in individuals affected with SLC39A13-related conditions. Nucleotide substitutions within the consensus splice site are a relatively common cause of aberrant splicing (PMID: 17576681, 9536098). Algorithms developed to predict the effect of sequence changes on RNA splicing suggest that this variant is not likely to affect RNA splicing. In summary, the available evidence is currently insufficient to determine the role of this variant in disease. Therefore, it has been classified as a Variant of Uncertain Significance.

Literature cited by the submitters: PubMed 17576681; PubMed 9536098.